The following is an entry in ClinVar:

ClinVar aggregate classification (germline): Uncertain significance (1 of 4 stars; one submission).

Conditions:
Developmental and epileptic encephalopathy, 2 (DEE2). Also called: INFANTILE SPASM SYNDROME, X-LINKED 2; CDKL5 deficiency disorder. Identifiers: Orphanet 1934, Orphanet 3451, Orphanet 505652, MedGen C4750718, MONDO:0010396, OMIM 300672.

Submission:

Laboratorio de Genetica e Diagnostico Molecular, Hospital Israelita Albert Einstein
Classification: Uncertain significance for Developmental and epileptic encephalopathy, 2. Last evaluated: 2024-07-18. Review status: criteria provided, single submitter. Criteria: ACMG Guidelines, 2015. Collection method: clinical testing. Allele origin: germline. Affected: yes.
Comment: ACMG classification criteria: PM2 supporting, BP4 supporting

NM_001323289.2(CDKL5):c.1076G>A (p.Gly359Asp)

Gene: CDKL5 (cyclin dependent kinase like 5; plus strand). Cytogenetic location: Xp22.13.
Variant type: single nucleotide variant.
Coding change: c.1076G>A on transcript NM_001323289.2 (MANE Select); coding-DNA position 1076, G replaced by A.
Protein change: p.Gly359Asp; replaces glycine 359 with aspartic acid.
Molecular consequence: missense variant.
Genome position (GRCh38, 1-based): chrX:18,604,000, G>A. VCF-style: chrX-18604000-G-A. GRCh37 (hg19) VCF-style: chrX-18622120-G-A.
Other names: c.1076G>A, p.Gly359Asp (NM_001037343.2, NM_003159.3); short protein forms G359D.
Identifiers: ClinVar variation 3902062 (VCV003902062.1).